The following is an entry in ClinVar:

ClinVar aggregate classification (germline): Uncertain significance (1 of 4 stars; one submission).

Conditions:
Encephalopathy, acute, infection-induced (herpes-specific), susceptibility to, 6. Also called: Herpes simplex encephalitis, susceptibility to, 4. Identifiers: Orphanet 1930, MedGen C3553869, MONDO:0013921, OMIM 614850.

Allele frequency attached by ClinVar (database versions not stated): gnomAD 0.00001.

Submission:

Labcorp Genetics (formerly Invitae), Labcorp
Classification: Uncertain significance for Encephalopathy, acute, infection-induced (herpes-specific), susceptibility to, 6. Last evaluated: 2022-08-19. Review status: criteria provided, single submitter. Criteria: Invitae Variant Classification Sherloc (09022015). Collection method: clinical testing. Allele origin: germline.
Comment: In summary, the available evidence is currently insufficient to determine the role of this variant in disease. Therefore, it has been classified as a Variant of Uncertain Significance. This sequence change replaces cysteine, which is neutral and slightly polar, with phenylalanine, which is neutral and non-polar, at codon 231 of the TICAM1 protein (p.Cys231Phe). This variant is not present in population databases (gnomAD no frequency). This variant has not been reported in the literature in individuals affected with TICAM1-related conditions. ClinVar contains an entry for this variant (Variation ID: 1468287). Algorithms developed to predict the effect of missense changes on protein structure and function are either unavailable or do not agree on the potential impact of this missense change (SIFT: "Deleterious"; PolyPhen-2: "Probably Damaging"; Align-GVGD: "Class C0").

NM_182919.4(TICAM1):c.692G>T (p.Cys231Phe)

Gene: TICAM1 (TIR domain containing adaptor molecule 1; minus strand). Cytogenetic location: 19p13.3.
Variant type: single nucleotide variant.
Coding change: c.692G>T on transcript NM_182919.4 (MANE Select); coding-DNA position 692, G replaced by T.
Protein change: p.Cys231Phe; replaces cysteine 231 with phenylalanine.
Molecular consequence: missense variant.
Genome position (GRCh38, 1-based): chr19:4,817,686, C>A on the plus strand (G>T on the coding strand, the complement: TICAM1 is on the minus strand). VCF-style: chr19-4817686-C-A. GRCh37 (hg19) VCF-style: chr19-4817698-C-A.
Other names: c.650G>T, p.Cys217Phe (NM_001385678.1); c.557G>T, p.Cys186Phe (NM_001385679.1); c.50G>T, p.Cys17Phe (NM_001385680.1); short protein forms C17F, C186F, C217F, C231F.
Identifiers: ClinVar variation 1468287 (VCV001468287.7), dbSNP rs2093589455, ClinGen allele CA403491954.